The following is an entry in ClinVar:

NM_000179.3(MSH6):c.1357A>C (p.Lys453Gln)

Gene: MSH6 (mutS homolog 6; plus strand). Cytogenetic location: 2p16.3.
Variant type: single nucleotide variant.
Coding change: c.1357A>C on transcript NM_000179.3 (MANE Select); coding-DNA position 1357, A replaced by C.
Protein change: p.Lys453Gln; replaces lysine 453 with glutamine.
Molecular consequence: missense variant.
Genome position (GRCh38, 1-based): chr2:47,799,340, A>C. VCF-style: chr2-47799340-A-C. GRCh37 (hg19) VCF-style: chr2-48026479-A-C.
Other names: c.967A>C, p.Lys323Gln (NM_001281492.2); c.451A>C, p.Lys151Gln (NM_001281493.2, NM_001281494.2); short protein forms K323Q, K453Q, K151Q.
Identifiers: ClinVar variation 1039013 (VCV001039013.10), dbSNP rs1669323917, ClinGen allele CA346744723.

ClinVar aggregate classification (germline): Uncertain significance. Review status: criteria provided, multiple submitters, no conflicts (2 of 4 stars). 2 submissions from 2 submitters: Uncertain significance (2). Last evaluated 2025-10-07.

Conditions:
Hereditary nonpolyposis colorectal neoplasms. Identifiers: MedGen C0009405, MeSH D003123.
Hereditary cancer-predisposing syndrome. Also called: Neoplastic Syndromes, Hereditary; Hereditary Cancer Syndrome; Tumor predisposition; Hereditary neoplastic syndrome. Identifiers: Orphanet 140162, MedGen C0027672, MeSH D009386, MONDO:0015356.

Allele frequency attached by ClinVar (database versions not stated): gnomAD exomes below 0.00001.

Submissions (2):

Labcorp Genetics (formerly Invitae), Labcorp
Classification: Uncertain significance for Hereditary nonpolyposis colorectal neoplasms. Last evaluated: 2025-10-07. Review status: criteria provided, single submitter. Criteria: Invitae Variant Classification Sherloc (09022015). Collection method: clinical testing. Allele origin: germline.
Comment: This sequence change replaces lysine, which is basic and polar, with glutamine, which is neutral and polar, at codon 453 of the MSH6 protein (p.Lys453Gln). This variant is not present in population databases (gnomAD no frequency). This variant has not been reported in the literature in individuals affected with MSH6-related conditions. ClinVar contains an entry for this variant (Variation ID: 1039013). Invitae Evidence Modeling of protein sequence and biophysical properties (such as structural, functional, and spatial information, amino acid conservation, physicochemical variation, residue mobility, and thermodynamic stability) indicates that this missense variant is not expected to disrupt MSH6 protein function with a negative predictive value of 95%. In summary, the available evidence is currently insufficient to determine the role of this variant in disease. Therefore, it has been classified as a Variant of Uncertain Significance.

Ambry Genetics
Classification: Uncertain significance for Hereditary cancer-predisposing syndrome. Last evaluated: 2025-09-29. Review status: criteria provided, single submitter. Criteria: Ambry Variant Classification Scheme 2023. Collection method: clinical testing. Allele origin: germline.
Comment: The p.K453Q variant (also known as c.1357A>C), located in coding exon 4 of the MSH6 gene, results from an A to C substitution at nucleotide position 1357. The lysine at codon 453 is replaced by glutamine, an amino acid with similar properties. This amino acid position is highly conserved in available vertebrate species. In addition, this alteration is predicted to be deleterious by in silico analysis. Based on the available evidence, the clinical significance of this variant remains unclear.